The following is an entry in ClinVar:

NC_000009.11:g.(?_130965750)_(131016993_?)dup

Genes: CIZ1 (CDKN1A interacting zinc finger protein 1; minus strand), DNM1 (dynamin 1; plus strand), MIR199B (microRNA 199b; minus strand). Cytogenetic location: 9q34.11.
Variant type: Duplication.
Identifiers: ClinVar variation 1432963 (VCV001432963.6).

ClinVar aggregate classification (germline): Uncertain significance (1 of 4 stars; one submission).

Conditions:
Developmental and epileptic encephalopathy, 31A. Also called: Epileptic encephalopathy, early infantile, 31; Developmental and epileptic encephalopathy, 31. Identifiers: Orphanet 2382, MedGen C4225357, MONDO:0014598, OMIM 616346.

Submission:

Labcorp Genetics (formerly Invitae), Labcorp
Classification: Uncertain significance for Developmental and epileptic encephalopathy, 31A. Last evaluated: 2021-04-30. Review status: criteria provided, single submitter. Criteria: Invitae Variant Classification Sherloc (09022015). Collection method: clinical testing. Allele origin: germline.
Comment: A copy number gain of the genomic region encompassing the full coding sequence of the DNM1 gene has been identified. The boundaries of this event are unknown as they extend beyond the assayed region for this gene and therefore may encompass additional genes. As the precise location of this event is unknown, it may be in tandem or it may be located elsewhere in the genome. This variant has not been reported in the literature in individuals with DNM1-related conditions. In summary, the available evidence is currently insufficient to determine the role of this variant in disease. Therefore, it has been classified as a Variant of Uncertain Significance.